The following is an entry in ClinVar:

NM_000059.4(BRCA2):c.7349A>G (p.Asn2450Ser)

Gene: BRCA2 (BRCA2 DNA repair associated; plus strand). Cytogenetic location: 13q13.1.
Variant type: single nucleotide variant.
Coding change: c.7349A>G on transcript NM_000059.4 (MANE Select); coding-DNA position 7349, A replaced by G.
Protein change: p.Asn2450Ser; replaces asparagine 2450 with serine.
Molecular consequence: missense variant.
Genome position (GRCh38, 1-based): chr13:32,355,202, A>G. VCF-style: chr13-32355202-A-G. GRCh37 (hg19) VCF-style: chr13-32929339-A-G.
Other names: short protein forms N2450S.
Identifiers: ClinVar variation 855405 (VCV000855405.12), dbSNP rs761505767, ClinGen allele CA387741358.

ClinVar aggregate classification (germline): Uncertain significance. Review status: criteria provided, multiple submitters, no conflicts (2 of 4 stars). 2 submissions from 2 submitters: Uncertain significance (2). Last evaluated 2025-06-25.

Conditions:
Breast-ovarian cancer, familial, susceptibility to, 2 (BROVCA2). Also called: BRCA2 Hereditary Breast and Ovarian Cancer. Identifiers: Orphanet 145, MedGen C2675520, MONDO:0012933, OMIM 612555. Disease mechanism: loss of function.
Hereditary breast ovarian cancer syndrome. Also called: Hereditary breast and/or ovarian cancer syndrome; Hereditary breast and ovarian cancer; Hereditary breast and ovarian cancer syndrome (HBOC); Hereditary breast and ovarian cancer syndrome; Breast and ovarian cancer; BRCA1- and BRCA2-Associated Hereditary Breast and Ovarian Cancer. Identifiers: Orphanet 145, MedGen C0677776, MeSH D061325, MONDO:0003582. Disease mechanism: loss of function.

Submissions (2):

Dasa
Classification: Uncertain significance for Breast-ovarian cancer, familial, susceptibility to, 2. Last evaluated: 2025-06-25. Review status: criteria provided, single submitter. Criteria: DASA Assertion Criteria. Collection method: clinical testing. Allele origin: germline.
Comment: NM_000059.4(BRCA2):c.7349A>G (p.Asn2450Ser) is a missense variant that results in the substitution of asparagine with serine. This variant is absent from population databases. Computational prediction algorithms are consistent with a benign effect. The currently available literature and clinical evidence are not sufficient to establish a definitive association between this variant and the reported condition. Therefore, this variant is classified as a variant of uncertain significance.

Labcorp Genetics (formerly Invitae), Labcorp
Classification: Uncertain significance for Hereditary breast ovarian cancer syndrome. Last evaluated: 2023-11-17. Review status: criteria provided, single submitter. Criteria: Invitae Variant Classification Sherloc (09022015). Collection method: clinical testing. Allele origin: germline.
Comment: This sequence change replaces asparagine, which is neutral and polar, with serine, which is neutral and polar, at codon 2450 of the BRCA2 protein (p.Asn2450Ser). This variant is not present in population databases (gnomAD no frequency). This variant has not been reported in the literature in individuals affected with BRCA2-related conditions. ClinVar contains an entry for this variant (Variation ID: 855405). Advanced modeling of protein sequence and biophysical properties (such as structural, functional, and spatial information, amino acid conservation, physicochemical variation, residue mobility, and thermodynamic stability) performed at Invitae indicates that this missense variant is not expected to disrupt BRCA2 protein function with a negative predictive value of 95%. In summary, the available evidence is currently insufficient to determine the role of this variant in disease. Therefore, it has been classified as a Variant of Uncertain Significance.